The following is an entry in ClinVar:

ClinVar aggregate classification (germline): Uncertain significance (1 of 4 stars; one submission).

Submission:

GeneDx
Classification: Uncertain significance. Last evaluated: 2019-05-09. Review status: criteria provided, single submitter. Criteria: GeneDx Variant Classification Process June 2021. Collection method: clinical testing. Allele origin: germline. Affected: yes.
Comment: Not observed in large population cohorts (Lek et al., 2016); In silico analysis, which includes protein predictors and evolutionary conservation, supports that this variant does not alter protein structure/function; Has not been previously published as pathogenic or benign to our knowledge

NM_001170629.2(CHD8):c.1102C>G (p.Pro368Ala)

Gene: CHD8 (chromodomain helicase DNA binding protein 8; minus strand). Cytogenetic location: 14q11.2.
Variant type: single nucleotide variant.
Coding change: c.1102C>G on transcript NM_001170629.2 (MANE Select); coding-DNA position 1102, C replaced by G.
Protein change: p.Pro368Ala; replaces proline 368 with alanine.
Molecular consequence: missense variant.
Genome position (GRCh38, 1-based): chr14:21,429,077, G>C on the plus strand (C>G on the coding strand, the complement: CHD8 is on the minus strand). VCF-style: chr14-21429077-G-C. GRCh37 (hg19) VCF-style: chr14-21897236-G-C.
Other names: c.265C>G, p.Pro89Ala (NM_020920.4); short protein forms P368A, P89A.
Identifiers: ClinVar variation 1305692 (VCV001305692.2), dbSNP rs2139534434, ClinGen allele CA388884712.